The following is an entry in ClinVar:

ClinVar aggregate classification (germline): Benign/Likely benign. Review status: criteria provided, multiple submitters, no conflicts (2 of 4 stars). 6 submissions from 6 submitters: Benign (1); Likely benign (5). Last evaluated 2025-05-05.

Conditions:
Hereditary cancer-predisposing syndrome. Also called: Hereditary neoplastic syndrome; Hereditary Cancer Syndrome; Neoplastic Syndromes, Hereditary; Tumor predisposition. Identifiers: Orphanet 140162, MedGen C0027672, MeSH D009386, MONDO:0015356.
Hereditary nonpolyposis colorectal neoplasms. Identifiers: MedGen C0009405, MeSH D003123.
Lynch syndrome 5 (LYNCH5). Also called: Hereditary non-polyposis colorectal cancer, type 5; Colorectal cancer, hereditary nonpolyposis, type 5. Identifiers: Orphanet 144, MedGen C1833477, MONDO:0013710, OMIM 614350. Disease mechanism: loss of function.
Lynch syndrome. Identifiers: Orphanet 144, MedGen C4552100, MONDO:0005835. Disease mechanism: loss of function.

Allele frequency attached by ClinVar (database versions not stated): gnomAD exomes below 0.00001 and 0.00001; TOPMed below 0.00001; ExAC 0.00001; gnomAD 0.00001; 1000 Genomes Project 0.00020; 1000 Genomes Project 30x 0.00031.
gnomAD v4.1: 4 of 1,614,096 alleles (0.00025%); highest among the groups gnomAD compares: East Asian, 0.0045%; no homozygotes.

Submissions (6):

Labcorp Genetics (formerly Invitae), Labcorp
Classification: Likely benign for Hereditary nonpolyposis colorectal neoplasms. Last evaluated: 2025-05-05. Review status: criteria provided, single submitter. Criteria: Invitae Variant Classification Sherloc (09022015). Collection method: clinical testing. Allele origin: germline.

Myriad Genetics, Inc.
Classification: Benign for Lynch syndrome 5. Last evaluated: 2024-12-31. Review status: criteria provided, single submitter. Criteria: Myriad Autosomal Dominant, Autosomal Recessive and X-Linked Classification Criteria (2023). Collection method: clinical testing. Allele origin: unknown.
Comment: This variant is considered benign. This variant is a silent/synonymous amino acid change and it is not expected to impact splicing.

All of Us Research Program, National Institutes of Health
Classification: Likely benign for Lynch syndrome. Last evaluated: 2024-08-06. Review status: criteria provided, single submitter. Criteria: ACMG Guidelines, 2015. Collection method: clinical testing. Allele origin: germline. Inheritance: Autosomal dominant inheritance. Observed: 1 variant allele, 1 heterozygote.
Comment: This study involves interpretation of variants in research participants for the purpose of population health screening. Participant phenotype was not available at the time of variant classification. Additional details can be found in publication PMID: 35346344, PMCID: PMC8962531

Color Diagnostics, LLC DBA Color Health
Classification: Likely benign for Hereditary cancer-predisposing syndrome. Last evaluated: 2020-09-27. Review status: criteria provided, single submitter. Criteria: ACMG Guidelines, 2015. Collection method: clinical testing. Allele origin: germline.

Ambry Genetics
Classification: Likely benign for Hereditary cancer-predisposing syndrome. Last evaluated: 2017-12-20. Review status: criteria provided, single submitter. Criteria: Ambry Variant Classification Scheme 2023. Collection method: clinical testing. Allele origin: germline.

GeneDx
Classification: Likely benign. Last evaluated: 2017-05-22. Review status: criteria provided, single submitter. Criteria: GeneDx Variant Classification (06012015). Collection method: clinical testing. Allele origin: germline. Affected: yes.
Comment: This variant is considered likely benign or benign based on one or more of the following criteria: it is a conservative change, it occurs at a poorly conserved position in the protein, it is predicted to be benign by multiple in silico algorithms, and/or has population frequency not consistent with disease.

NM_000179.3(MSH6):c.2373T>C (p.Arg791=)

Gene: MSH6 (mutS homolog 6; plus strand). Cytogenetic location: 2p16.3.
Variant type: single nucleotide variant.
Coding change: c.2373T>C on transcript NM_000179.3 (MANE Select); coding-DNA position 2373, T replaced by C.
Protein change: p.Arg791=; no amino-acid change (arginine 791 retained).
Molecular consequence: synonymous variant.
Genome position (GRCh38, 1-based): chr2:47,800,356, T>C. VCF-style: chr2-47800356-T-C. GRCh37 (hg19) VCF-style: chr2-48027495-T-C.
Other names: c.1983T>C, p.Arg661= (NM_001281492.2); c.1467T>C, p.Arg489= (NM_001281493.2, NM_001281494.2).
Identifiers: ClinVar variation 509751 (VCV000509751.18), dbSNP rs543201797, ClinGen allele CA068888.